The following is an entry in ClinVar:

NM_007055.4(POLR3A):c.3594+15G>A

Gene: POLR3A (RNA polymerase III subunit A; minus strand). Cytogenetic location: 10q22.3.
Variant type: single nucleotide variant.
Coding change: c.3594+15G>A on transcript NM_007055.4 (MANE Select); 15 bases into the intron after coding-DNA position 3594, G replaced by A.
Molecular consequence: intron variant.
Genome position (GRCh38, 1-based): chr10:77,982,638, C>T on the plus strand (G>A on the coding strand, the complement: POLR3A is on the minus strand). VCF-style: chr10-77982638-C-T. GRCh37 (hg19) VCF-style: chr10-79742396-C-T.
Identifiers: ClinVar variation 301042 (VCV000301042.14), dbSNP rs116003372, ClinGen allele CA5570787.
Genomic context (GRCh38, chr10:77,982,638, plus strand): 5'-GCCCTTAGGTCCCAGCCCTGGGTGTCACACCACAGGGAGATGCTGGGTCTCCATGAGAAG[C>T]GACTTCTGTTTCACCTTGGGGAGATCCTCTTTCAGGAACTGCAGCACGTAGTACATGGAG-3'

ClinVar aggregate classification (germline): Benign. Review status: criteria provided, multiple submitters, no conflicts (2 of 4 stars). 3 submissions from 3 submitters: Benign (3). Last evaluated 2026-01-27.

Conditions:
Leukodystrophy, hypomyelinating, 7, with or without oligodontia and/or hypogonadotropic hypogonadism (HLD7). Also called: LEUKOENCEPHALOPATHY, HYPOMYELINATING, WITH ATAXIA AND DELAYED DENTITION; ATAXIA, DELAYED DENTITION, AND HYPOMYELINATION; LEUKODYSTROPHY, HYPOMYELINATING, 7, WITH OLIGODONTIA; LEUKODYSTROPHY, HYPOMYELINATING, 7, WITH OLIGODONTIA AND HYPOGONADOTROPIC HYPOGONADISM; LEUKODYSTROPHY, HYPOMYELINATING, 7, WITHOUT OLIGODONTIA OR HYPOGONADOTROPIC HYPOGONADISM; Ataxia, Delayed Dentition and Hypomyelination (ADDH). Identifiers: Orphanet 137639, Orphanet 447893, Orphanet 447896, Orphanet 77295, Orphanet 88637, MedGen CN034185, MONDO:0011897, OMIM 607694.

Allele frequency attached by ClinVar (database versions not stated): gnomAD exomes 0.00069 and 0.00185; ExAC 0.00240; 1000 Genomes Project 0.00659; gnomAD 0.00677 and 0.00728; 1000 Genomes Project 30x 0.00734; TOPMed 0.00734; ESP Exome Variant Server 0.00800.
gnomAD v4.1: 2,069 of 1,611,430 alleles (0.13%); highest among the groups gnomAD compares: African/African-American, 2.2%; 20 homozygotes.

Submissions (3):

Labcorp Genetics (formerly Invitae), Labcorp
Classification: Benign. Last evaluated: 2026-01-27. Review status: criteria provided, single submitter. Criteria: Invitae Variant Classification Sherloc (09022015). Collection method: clinical testing. Allele origin: germline.

Illumina Laboratory Services, Illumina
Classification: Benign for Leukodystrophy, hypomyelinating, 7, with or without oligodontia and/or hypogonadotropic hypogonadism. Last evaluated: 2018-01-13. Review status: criteria provided, single submitter. Criteria: ICSL Variant Classification Criteria 13 December 2019. Collection method: clinical testing. Allele origin: germline.
Comment: This variant was observed in the ICSL laboratory as part of a predisposition screen in an ostensibly healthy population. It had not been previously curated by ICSL or reported in the Human Gene Mutation Database (HGMD: prior to June 1st, 2018), and was therefore a candidate for classification through an automated scoring system. Utilizing variant allele frequency, disease prevalence and penetrance estimates, and inheritance mode, an automated score was calculated to assess if this variant is too frequent to cause the disease. Based on the score and internal cut-off values, a variant classified as benign is not then subjected to further curation. The score for this variant resulted in a classification of benign for this disease.

Breakthrough Genomics
Classification: Benign. Review status: criteria provided, single submitter. Criteria: ACMG Guidelines, 2015. Collection method: not provided. Allele origin: germline. Inheritance: Autosomal recessive inheritance. Affected: yes.